The following is an entry in ClinVar:

NM_000057.4(BLM):c.709del (p.Cys237fs)

Gene: BLM (BLM RecQ like helicase; plus strand). Cytogenetic location: 15q26.1.
Variant type: Deletion.
Coding change: c.709del on transcript NM_000057.4 (MANE Select); coding-DNA position 709, one base deleted (T; older notation c.709delT).
Protein change: p.Cys237fs; shifts the reading frame from cysteine 237.
Molecular consequence: frameshift variant. On other transcripts: 5 prime UTR variant (1).
Genome position (GRCh38, 1-based): chr15:90,749,977, T deleted; the last of 3 consecutive T bases (chr15:90,749,975-90,749,977); deleting any one gives the same sequence. VCF-style (leftmost placement, unchanged base first): chr15-90749974-AT-A. GRCh37 (hg19) VCF-style: chr15-91293204-AT-A.
Other names: c.709del, p.Cys237fs (NM_001287246.2, NM_001287247.2); c.-583del (NM_001287248.2); c.709delT (NM_000057.2); c.709del (NM_000057.3); short protein forms C237fs.
Identifiers: ClinVar variation 664539 (VCV000664539.36), dbSNP rs1217879599, ClinGen allele CA619860667.

ClinVar aggregate classification (germline): Pathogenic/Likely pathogenic. Review status: criteria provided, multiple submitters, no conflicts (2 of 4 stars). 8 submissions from 8 submitters: Pathogenic (4); Likely pathogenic (4). Last evaluated 2026-05-25.

Conditions:
Hereditary cancer-predisposing syndrome. Also called: Neoplastic Syndromes, Hereditary; Hereditary Cancer Syndrome; Tumor predisposition; Hereditary neoplastic syndrome. Identifiers: Orphanet 140162, MedGen C0027672, MeSH D009386, MONDO:0015356.
Bloom syndrome (BLM). Also called: Bloom-Torre-Machacek syndrome. Identifiers: Orphanet 125, MedGen C0005859, MONDO:0008876, OMIM 210900.

Submissions (8):

Myriad Genetics, Inc.
Classification: Pathogenic for Bloom syndrome. Last evaluated: 2026-05-25. Review status: criteria provided, single submitter. Criteria: Myriad Autosomal Dominant, Autosomal Recessive and X-Linked Classification Criteria (2023). Collection method: clinical testing. Allele origin: unknown.
Comment: NM_000057.3(BLM):c.709delT(C237Afs*12) is a frameshift variant classified as pathogenic in the context of Bloom syndrome. C237Afs*12 has not been observed in cases with relevant disease. Relevant functional assessments of this variant are not available in the literature. C237Afs*12 has been observed in referenced population frequency databases. In summary, NM_000057.3(BLM):c.709delT(C237Afs*12) is a frameshift variant in a gene where loss of function is a known mechanism of disease and is predicted to disrupt protein function. Please note: this variant was assessed in the context of healthy population screening.

Labcorp Genetics (formerly Invitae), Labcorp
Classification: Pathogenic for Bloom syndrome. Last evaluated: 2025-12-22. Review status: criteria provided, single submitter. Criteria: Invitae Variant Classification Sherloc (09022015). Collection method: clinical testing. Allele origin: germline.
Comment: This sequence change creates a premature translational stop signal (p.Cys237Alafs*12) in the BLM gene. It is expected to result in an absent or disrupted protein product. Loss-of-function variants in BLM are known to be pathogenic (PMID: 17407155). This variant is present in population databases (no rsID available, gnomAD no frequency). This variant has not been reported in the literature in individuals affected with BLM-related conditions. ClinVar contains an entry for this variant (Variation ID: 664539). For these reasons, this variant has been classified as Pathogenic.

Natera, Inc.
Classification: Likely pathogenic for Bloom syndrome. Last evaluated: 2025-06-11. Review status: criteria provided, single submitter. Criteria: Natera Variant Classification Schema (03/2026). Collection method: clinical testing. Allele origin: germline.
Comment: The c.709delT variant in BLM is a frameshift variant predicted to shift the reading frame beginning at codon 237 and leads to a stop codon 12 codons downstream. This variant is expected to result in nonsense mediated decay, truncation, or a dysfunctional protein product. This variant is rare in the general population with a frequency below the threshold expected for the associated phenotype(s). Given the available evidence, this variant is classified as Likely Pathogenic.

CeGaT Center for Human Genetics Tuebingen
Classification: Pathogenic. Last evaluated: 2024-05-01. Review status: criteria provided, single submitter. Criteria: CeGaT Center For Human Genetics Tuebingen Variant Classification Criteria Version 2. Collection method: clinical testing. Allele origin: germline. Affected: yes. Observed: 1 variant allele.
Comment: BLM: PVS1, PM2

Baylor Genetics
Classification: Likely pathogenic for Bloom syndrome. Last evaluated: 2024-03-25. Review status: criteria provided, single submitter. Criteria: ACMG Guidelines, 2015. Collection method: clinical testing. Allele origin: unknown.

GeneDx
Classification: Likely pathogenic. Last evaluated: 2024-01-23. Review status: criteria provided, single submitter. Criteria: GeneDx Variant Classification Process June 2021. Collection method: clinical testing. Allele origin: germline. Affected: yes.
Comment: Frameshift variant predicted to result in protein truncation or nonsense mediated decay in a gene for which loss of function is a known mechanism of disease; Not observed at significant frequency in large population cohorts (gnomAD); Has not been previously published as pathogenic or benign to our knowledge

Fulgent Genetics
Classification: Likely pathogenic for Bloom syndrome. Last evaluated: 2022-04-03. Review status: criteria provided, single submitter. Criteria: ACMG Guidelines, 2015. Collection method: clinical testing. Allele origin: unknown.

Ambry Genetics
Classification: Pathogenic for Hereditary cancer-predisposing syndrome. Last evaluated: 2020-11-17. Review status: criteria provided, single submitter. Criteria: Ambry Variant Classification Scheme 2023. Collection method: clinical testing. Allele origin: germline.
Comment: The c.709delT pathogenic mutation, located in coding exon 2 of the BLM gene, results from a deletion of one nucleotide at nucleotide position 709, causing a translational frameshift with a predicted alternate stop codon (p.C237Afs*12). This alteration is expected to result in loss of function by premature protein truncation or nonsense-mediated mRNA decay. As such, this alteration is interpreted as a disease-causing mutation.

Literature cited by the submitters: PubMed 17407155 (cited by Labcorp Genetics (formerly Invitae), Labcorp).